The following is an entry in ClinVar:

ClinVar aggregate classification (germline): Pathogenic (1 of 4 stars; one submission).

Conditions:
Myofibrillar myopathy 6. Identifiers: Orphanet 199340, MedGen C2751831, MONDO:0013061, OMIM 612954.
Dilated cardiomyopathy 1HH (CMD1HH). Identifiers: Orphanet 154, MedGen C3151293, MONDO:0013479, OMIM 613881.

Submission:

Labcorp Genetics (formerly Invitae), Labcorp
Classification: Pathogenic for Dilated cardiomyopathy 1HH; Myofibrillar myopathy 6. Last evaluated: 2024-03-16. Review status: criteria provided, single submitter. Criteria: Invitae Variant Classification Sherloc (09022015). Collection method: clinical testing. Allele origin: germline.
Comment: This sequence change creates a premature translational stop signal (p.Ser2Lysfs*17) in the BAG3 gene. It is expected to result in an absent or disrupted protein product. Loss-of-function variants in BAG3 are known to be pathogenic (PMID: 21353195, 25008357). This variant is not present in population databases (gnomAD no frequency). This variant has not been reported in the literature in individuals affected with BAG3-related conditions. For these reasons, this variant has been classified as Pathogenic.

Literature cited by the submitters: PubMed 21353195; PubMed 25008357.

NM_004281.4(BAG3):c.4dup (p.Ser2fs)

Gene: BAG3 (BAG cochaperone 3; plus strand). Cytogenetic location: 10q26.11.
Variant type: Duplication.
Coding change: c.4dup on transcript NM_004281.4 (MANE Select); coding-DNA position 4, one base duplicated (A; older notation c.4dupA).
Protein change: p.Ser2fs; shifts the reading frame from serine 2.
Molecular consequence: frameshift variant.
Genome position (GRCh38, 1-based): chr10:119,651,679, A duplicated. VCF-style (leftmost placement, unchanged base first): chr10-119651678-G-GA. GRCh37 (hg19) VCF-style: chr10-121411190-G-GA.
Other names: short protein forms S2fs.
Identifiers: ClinVar variation 3755196 (VCV003755196.2).
Genomic context (GRCh38, chr10:119,651,678, plus strand): 5'-TCGGCGCCCGGAGCCAGCGCCCCGCACCCGCGCCCCAGCGGGCAGACCCCAACCCAGCAT[G>GA]AGCGCCGCCACCCACTCGCCCATGATGCAGGTGGCGTCCGGCAACGGTGACCGCGACCCT-3'